The following is an entry in ClinVar:

ClinVar aggregate classification (germline): Uncertain significance (1 of 4 stars; one submission).

Conditions:
ALG9 congenital disorder of glycosylation (CDG1L). Also called: ALG9-CDG; CDG Il; CONGENITAL DISORDER OF GLYCOSYLATION, TYPE Il. Identifiers: Orphanet 79328, MedGen C2931006, MONDO:0012117, OMIM 608776.

Submission:

Labcorp Genetics (formerly Invitae), Labcorp
Classification: Uncertain significance for ALG9 congenital disorder of glycosylation. Last evaluated: 2020-01-28. Review status: criteria provided, single submitter. Criteria: Invitae Variant Classification Sherloc (09022015). Collection method: clinical testing. Allele origin: germline.
Comment: In summary, the available evidence is currently insufficient to determine the role of this variant in disease. Therefore, it has been classified as a Variant of Uncertain Significance. Algorithms developed to predict the effect of missense changes on protein structure and function are either unavailable or do not agree on the potential impact of this missense change (SIFT: "Deleterious"; PolyPhen-2: "Possibly Damaging"; Align-GVGD: "Class C0"). This variant has not been reported in the literature in individuals with ATP6V0A2-related conditions. This variant is not present in population databases (ExAC no frequency). This sequence change replaces glutamic acid with glutamine at codon 218 of the ATP6V0A2 protein (p.Glu218Gln). The glutamic acid residue is highly conserved and there is a small physicochemical difference between glutamic acid and glutamine.

NM_012463.4(ATP6V0A2):c.652G>C (p.Glu218Gln)

Gene: ATP6V0A2 (ATPase H+ transporting V0 subunit a2; plus strand). Cytogenetic location: 12q24.31.
Variant type: single nucleotide variant.
Coding change: c.652G>C on transcript NM_012463.4 (MANE Select); coding-DNA position 652, G replaced by C.
Protein change: p.Glu218Gln; replaces glutamic acid 218 with glutamine.
Molecular consequence: missense variant.
Genome position (GRCh38, 1-based): chr12:123,733,929, G>C. VCF-style: chr12-123733929-G-C. GRCh37 (hg19) VCF-style: chr12-124218476-G-C.
Other names: short protein forms E218Q.
Identifiers: ClinVar variation 863749 (VCV000863749.8), dbSNP rs759593402, ClinGen allele CA387152878.